The following is an entry in ClinVar:

NM_000257.4(MYH7):c.2560GAG[1] (p.Glu855del)

Genes: MYH7 (myosin heavy chain 7; minus strand), LOC126861898 (BRD4-independent group 4 enhancer GRCh37_chr14:23893609-23894808; plus strand). Cytogenetic location: 14q11.2.
Variant type: Microsatellite.
Coding change: c.2560GAG[1] on transcript NM_000257.4 (MANE Select); one copy of the 3-base unit GAG starting at c.2560; the reference has two copies in a row; one copy, 3 bases deleted; also written c.2563_2565del.
Protein change: p.Glu855del; deletes glutamic acid 855.
Molecular consequence: inframe deletion.
Genome position (GRCh38, 1-based): chr14:23,424,883-23,424,885, CTC deleted on the plus strand (GAG on the coding strand, the reverse complement: MYH7 is on the minus strand); deleting any 3 consecutive bases within chr14:23,424,883-23,424,890 gives the same sequence; the position shown is the placement nearest the transcript's 3' end. VCF-style (leftmost placement, unchanged base first): chr14-23424882-ACTC-A. GRCh37 (hg19) VCF-style: chr14-23894091-ACTC-A.
Other names: c.2563_2565del (NM_000257.4); short protein forms E855del.
Identifiers: ClinVar variation 181361 (VCV000181361.3), dbSNP rs730880887, ClinGen allele CA012625.

ClinVar aggregate classification (germline): Conflicting classifications of pathogenicity. Review status: criteria provided, conflicting classifications (1 of 4 stars). 2 submissions from 2 submitters: Likely pathogenic (1); Uncertain significance (1). Last evaluated 2023-05-20.

Conditions:
Hypertrophic cardiomyopathy 1 (CMH1). Also called: MYH7-Related Familial Hypertrophic Cardiomyopathy; Familial hypertrophic cardiomyopathy 1. Identifiers: MedGen C3495498, MONDO:0008647, OMIM 192600.

Submissions (2):

Neuberg Centre For Genomic Medicine, NCGM
Classification: Uncertain significance for Hypertrophic cardiomyopathy 1. Last evaluated: 2023-05-20. Review status: criteria provided, single submitter. Criteria: ACMG Guidelines, 2015. Collection method: clinical testing. Allele origin: germline. Inheritance: Autosomal dominant inheritance. Affected: yes.
Comment: The observed inframe deletion c.2563_2565del(p.Glu855del) variant in MYH7 gene has not been reported previously as a pathogenic variant nor as a benign variant, to our knowledge. This variant is absent in gnomAD Exomes. This variant has been reported to the ClinVar database as Likely Pathogenic. However, study of the variant in multiple affected individuals and its functional impact on the protein is required to determine the pathogenicity of the variant. This p.Glu855del causes deletion of amino acid Glutamic Acid at position 855. For these reasons, this variant has been classified as Uncertain Significance.

GeneDx
Classification: Likely pathogenic. Last evaluated: 2013-07-30. Review status: criteria provided, single submitter. Criteria: GeneDx Variant Classification (06012015). Collection method: clinical testing. Allele origin: germline. Affected: yes.
Comment: The c.2563_2565delGAG variant in the MYH7 gene has not been reported as a disease-causing mutation or as a benign polymorphism to our knowledge. The c.2563_2565delGAG variant results in an in-frame deletion of a Glutamic acid at codon 855 in the MYH7 gene. The c.2563_2565delGAG variant was not observed in approximately 6,500 individuals of European and African American ancestry in the NHLBI Exome Sequencing Project, indicating it is not a common benign variant in these populations. Other in-frame deletions and other missense mutations in nearby residues (Met852Thr, Arg858Cys, Arg858Pro, Arg858His) have been reported in HGMD in association with cardiomyopathy, supporting the functional importance of this region of the protein (Stenson P et al., 2009).In summary, while c.2563_2565delGAG is a good candidate for a disease-causing mutation, with the clinical and molecular information available at this time we cannot unequivocally determine the clinical significance of this variant.